The following is an entry in ClinVar:

ClinVar aggregate classification (germline): Uncertain significance (1 of 4 stars; one submission).

gnomAD v4.1: 1 of 1,614,196 alleles (0.000062%); highest among the groups gnomAD compares: Non-Finnish European, 0.000085%; no homozygotes.

Submission:

Labcorp Genetics (formerly Invitae), Labcorp
Classification: Uncertain significance. Last evaluated: 2025-06-17. Review status: criteria provided, single submitter. Criteria: Invitae Variant Classification Sherloc (09022015). Collection method: clinical testing. Allele origin: germline.
Comment: This sequence change replaces alanine, which is neutral and non-polar, with valine, which is neutral and non-polar, at codon 1153 of the TRRAP protein (p.Ala1153Val). This variant is not present in population databases (gnomAD no frequency). This variant has not been reported in the literature in individuals affected with TRRAP-related conditions. Invitae Evidence Modeling of protein sequence and biophysical properties (such as structural, functional, and spatial information, amino acid conservation, physicochemical variation, residue mobility, and thermodynamic stability) indicates that this missense variant is expected to disrupt TRRAP protein function with a positive predictive value of 80%. Algorithms developed to predict the effect of sequence changes on RNA splicing suggest that this variant may create or strengthen a splice site. In summary, the available evidence is currently insufficient to determine the role of this variant in disease. Therefore, it has been classified as a Variant of Uncertain Significance.

NM_001375524.1(TRRAP):c.3458C>T (p.Ala1153Val)

Gene: TRRAP (transformation/transcription domain associated protein; plus strand). Cytogenetic location: 7q22.1.
Variant type: single nucleotide variant.
Coding change: c.3458C>T on transcript NM_001375524.1 (MANE Select); coding-DNA position 3458, C replaced by T.
Protein change: p.Ala1153Val; replaces alanine 1153 with valine.
Molecular consequence: missense variant.
Genome position (GRCh38, 1-based): chr7:98,930,697, C>T. VCF-style: chr7-98930697-C-T. GRCh37 (hg19) VCF-style: chr7-98528320-C-T.
Other names: c.3458C>T, p.Ala1153Val (NM_001244580.2, NM_003496.4); short protein forms A1153V.
Identifiers: ClinVar variation 4808801 (VCV004808801.1).